The following is an entry in ClinVar:

ClinVar aggregate classification (germline): Uncertain significance (1 of 4 stars; one submission).

Conditions:
Familial thoracic aortic aneurysm and aortic dissection (TAAD). Also called: Thoracic aortic aneurysms and dissections. Identifiers: Orphanet 91387, MedGen C4707243, MONDO:0019625.

Submission:

Ambry Genetics
Classification: Uncertain significance for Familial thoracic aortic aneurysm and aortic dissection. Last evaluated: 2024-04-05. Review status: criteria provided, single submitter. Criteria: Ambry Variant Classification Scheme 2023. Collection method: clinical testing. Allele origin: germline.
Comment: The p.D2175N variant (also known as c.6523G>A), located in coding exon 34 of the NOTCH1 gene, results from a G to A substitution at nucleotide position 6523. The aspartic acid at codon 2175 is replaced by asparagine, an amino acid with highly similar properties. This amino acid position is conserved. In addition, this alteration is predicted to be tolerated by in silico analysis. Based on the available evidence, the clinical significance of this variant remains unclear.

NM_017617.5(NOTCH1):c.6523G>A (p.Asp2175Asn)

Gene: NOTCH1 (notch receptor 1; minus strand). Cytogenetic location: 9q34.3.
Variant type: single nucleotide variant.
Coding change: c.6523G>A on transcript NM_017617.5 (MANE Select); coding-DNA position 6523, G replaced by A.
Protein change: p.Asp2175Asn; replaces aspartic acid 2175 with asparagine.
Molecular consequence: missense variant.
Genome position (GRCh38, 1-based): chr9:136,497,216, C>T on the plus strand (G>A on the coding strand, the complement: NOTCH1 is on the minus strand). VCF-style: chr9-136497216-C-T. GRCh37 (hg19) VCF-style: chr9-139391668-C-T.
Other names: short protein forms D2175N.
Identifiers: ClinVar variation 3300449 (VCV003300449.1).